The following is an entry in ClinVar:

ClinVar aggregate classification (germline): Uncertain significance (1 of 4 stars; one submission).

Submission:

GeneDx
Classification: Uncertain significance. Last evaluated: 2026-04-09. Review status: criteria provided, single submitter. Criteria: GeneDx Variant Classification Process June 2021. Collection method: clinical testing. Allele origin: germline.
Comment: Not observed at significant frequency in large population cohorts (gnomAD); In silico analysis supports that this missense variant has a deleterious effect on protein structure/function; Has not been previously published as pathogenic or benign to our knowledge

NM_001303256.3(MORC2):c.2387G>C (p.Gly796Ala)

Gene: MORC2 (MORC family CW-type zinc finger 2; minus strand). Cytogenetic location: 22q12.2.
Variant type: single nucleotide variant.
Coding change: c.2387G>C on transcript NM_001303256.3 (MANE Select); coding-DNA position 2387, G replaced by C.
Protein change: p.Gly796Ala; replaces glycine 796 with alanine.
Molecular consequence: missense variant.
Genome position (GRCh38, 1-based): chr22:30,933,024, C>G on the plus strand (G>C on the coding strand, the complement: MORC2 is on the minus strand). VCF-style: chr22-30933024-C-G. GRCh37 (hg19) VCF-style: chr22-31329011-C-G.
Other names: c.2387G>C, p.Gly796Ala (NM_001303257.2); c.2201G>C, p.Gly734Ala (NM_014941.3); short protein forms G734A, G796A.
Identifiers: ClinVar variation 3343197 (VCV003343197.2).